The following is an entry in ClinVar:

NM_001195248.2(APTX):c.667C>T (p.Leu223Phe)

Gene: APTX (aprataxin; minus strand). Cytogenetic location: 9p21.1.
Variant type: single nucleotide variant.
Coding change: c.667C>T on transcript NM_001195248.2 (MANE Select); coding-DNA position 667, C replaced by T.
Protein change: p.Leu223Phe; replaces leucine 223 with phenylalanine.
Molecular consequence: missense variant. On other transcripts: non-coding transcript variant (9).
Genome position (GRCh38, 1-based): chr9:32,984,734, G>A on the plus strand (C>T on the coding strand, the complement: APTX is on the minus strand). VCF-style: chr9-32984734-G-A. GRCh37 (hg19) VCF-style: chr9-32984732-G-A.
Other names: p.L223F:CTC>TTC; c.667C>T, p.Leu223Phe (NM_001195249.2, NM_001195251.2, NM_001368995.1 and 6 more transcripts); c.505C>T, p.Leu169Phe (NM_001195250.2, NM_001195254.2, NM_001369000.1 and 1 more transcripts); c.451C>T, p.Leu151Phe (NM_001195252.2); c.403C>T, p.Leu135Phe (NM_001369002.1, NM_001369003.1, NM_001369004.1 and 5 more transcripts); short protein forms L223F, L135F, L151F, L169F.
Identifiers: ClinVar variation 214128 (VCV000214128.2), dbSNP rs754477154, ClinGen allele CA324145.

ClinVar aggregate classification (germline): Pathogenic (1 of 4 stars; one submission).

Allele frequency attached by ClinVar (database versions not stated): gnomAD exomes below 0.00001 and 0.00001; ExAC 0.00001; TOPMed 0.00001.
gnomAD v4.1: 16 of 1,614,202 alleles (0.00099%); highest among the groups gnomAD compares: Admixed American, 0.0033%; no homozygotes.

Submission:

GeneDx
Classification: Pathogenic. Last evaluated: 2012-07-18. Review status: criteria provided, single submitter. Criteria: GeneDx Variant Classification (06012015). Collection method: clinical testing. Allele origin: germline. Affected: yes.
Comment: p.Leu223Phe (CTC>TTC): c.667 C>T in exon 7 of the APTX gene (NM_175073.2). The L223F missense change has not been published as a mutation, nor has it been reported as a benign polymorphism to our knowledge. However, another missense mutation at the same position (L223P) has been reported in association with ataxia-ocular apraxia 1 (Criscuolo et al., 2005). Therefore, we interpret L223F to be a diseasecausing mutation. The variant is found in MITO24-MITOP panel(s).